The following is an entry in ClinVar:

ClinVar aggregate classification (germline): Pathogenic/Likely pathogenic. Review status: criteria provided, multiple submitters, no conflicts (2 of 4 stars). 3 submissions from 3 submitters: Pathogenic (1); Likely pathogenic (2). Last evaluated 2026-03-31.

Conditions:
Hereditary cancer-predisposing syndrome. Also called: Neoplastic Syndromes, Hereditary; Hereditary neoplastic syndrome; Tumor predisposition; Hereditary Cancer Syndrome. Identifiers: Orphanet 140162, MedGen C0027672, MeSH D009386, MONDO:0015356.
Hereditary breast ovarian cancer syndrome. Also called: Hereditary breast and/or ovarian cancer syndrome; Hereditary breast and ovarian cancer; Hereditary breast and ovarian cancer syndrome (HBOC); Breast and ovarian cancer; BRCA1- and BRCA2-Associated Hereditary Breast and Ovarian Cancer; Hereditary breast and ovarian cancer syndrome. Identifiers: Orphanet 145, MedGen C0677776, MeSH D061325, MONDO:0003582. Disease mechanism: loss of function.
Breast-ovarian cancer, familial, susceptibility to, 2 (BROVCA2). Also called: BRCA2 Hereditary Breast and Ovarian Cancer. Identifiers: Orphanet 145, MedGen C2675520, MONDO:0012933, OMIM 612555. Disease mechanism: loss of function.

Submissions (3):

Ambry Genetics
Classification: Likely pathogenic for Hereditary cancer-predisposing syndrome. Last evaluated: 2026-03-31. Review status: criteria provided, single submitter. Criteria: Ambry Variant Classification Scheme 2023. Collection method: clinical testing. Allele origin: germline.
Comment: The c.6841+1delG intronic variant, located in intron 10 of the BRCA2 gene, results from a deletion of one nucleotide within intron 10 of the BRCA2 gene. This alteration was detected in 1/925 breast cancer patients from France and Switzerland (De Talhouet S et al. Sci Rep, 2020 Apr;10:7073). This nucleotide position is highly conserved in available vertebrate species. In silico splice site analysis predicts that this alteration will weaken the native splice donor site and will result in the creation or strengthening of a novel splice donor site. RNA studies have demonstrated that this variant results in abnormal splicing in the set of samples tested (Ambry internal data; Houdayer C et al. Hum Mutat. 2012 Aug;33(8):1228-38). Alterations that disrupt the canonical splice site are expected to cause aberrant splicing, resulting in an abnormal protein or a transcript that is subject to nonsense-mediated mRNA decay. As such, this alteration is classified as likely pathogenic.

Labcorp Genetics (formerly Invitae), Labcorp
Classification: Likely pathogenic for Hereditary breast ovarian cancer syndrome. Last evaluated: 2023-10-10. Review status: criteria provided, single submitter. Criteria: Invitae Variant Classification Sherloc (09022015). Collection method: clinical testing. Allele origin: germline.
Comment: This sequence change affects a splice site in intron 11 of the BRCA2 gene. It is expected to disrupt RNA splicing. Variants that disrupt the donor or acceptor splice site typically lead to a loss of protein function (PMID: 16199547), and loss-of-function variants in BRCA2 are known to be pathogenic (PMID: 20104584). This variant is not present in population databases (gnomAD no frequency). Disruption of this splice site has been observed in individual(s) with breast cancer (PMID: 32341426). ClinVar contains an entry for this variant (Variation ID: 52204). Studies have shown that disruption of this splice site is associated with altered splicing resulting in unknown protein product impact (PMID: 22505045). In summary, the currently available evidence indicates that the variant is pathogenic, but additional data are needed to prove that conclusively. Therefore, this variant has been classified as Likely Pathogenic.

Consortium of Investigators of Modifiers of BRCA1/2 (CIMBA), c/o University of Cambridge
Classification: Pathogenic for Breast-ovarian cancer, familial, susceptibility to, 2. Last evaluated: 2015-10-02. Review status: criteria provided, single submitter. Criteria: CIMBA Mutation Classification guidelines May 2016. Collection method: clinical testing. Allele origin: germline.

Literature cited by the submitters: PubMed 22505045 (cited by Ambry Genetics and Labcorp Genetics (formerly Invitae), Labcorp); PubMed 32341426 (cited by Ambry Genetics and Labcorp Genetics (formerly Invitae), Labcorp); PubMed 16199547 (cited by Labcorp Genetics (formerly Invitae), Labcorp); PubMed 20104584 (cited by Labcorp Genetics (formerly Invitae), Labcorp).

NM_000059.4(BRCA2):c.6841+1del

Gene: BRCA2 (BRCA2 DNA repair associated; plus strand). Cytogenetic location: 13q13.1.
Variant type: Deletion.
Coding change: c.6841+1del on transcript NM_000059.4 (MANE Select); the canonical splice donor site of the intron after coding-DNA position 6841, one base deleted (G; older notation c.6841+1delG).
Molecular consequence: splice donor variant. On other transcripts: intron variant (2).
Genome position (GRCh38, 1-based): chr13:32,341,197, G deleted; the last of 3 consecutive G bases (chr13:32,341,195-32,341,197); deleting any one gives the same sequence. VCF-style (leftmost placement, unchanged base first): chr13-32341194-TG-T. GRCh37 (hg19) VCF-style: chr13-32915331-TG-T.
Other names: c.6841+1delG (NM_000059.3); c.6841+1del (NM_001406720.1, NM_001406719.1); c.1910-3361del (NM_001406721.1); c.425-3361del (NM_001406722.1).
Identifiers: ClinVar variation 52204 (VCV000052204.16), dbSNP rs397507887, ClinGen allele CA024488.
Genomic context (GRCh38, chr13:32,341,194, plus strand): 5'-AGGAAATGGTTTTGTCAAATTCAAGAATTGGAAAAAGAAGAGGAGAGCCCCTTATCTTAG[TG>T]GGTAAGTGTTCATTTTTACCTTTCGTGTTGCCAATCACTATTTTTAAAGTGTTTATTCAG-3'